The following is an entry in ClinVar:

NC_000023.10:g.(?_38128415)_(38147295_38150211)dup

Gene: RPGR (retinitis pigmentosa GTPase regulator; minus strand). Cytogenetic location: Xp11.4.
Variant type: Duplication.
Identifiers: ClinVar variation 4887769 (VCV004887769.1).

ClinVar aggregate classification (germline): Uncertain significance (1 of 4 stars; one submission).

Submission:

Women's Health and Genetics/Laboratory Corporation of America, LabCorp
Classification: Uncertain significance. Last evaluated: 2026-06-22. Review status: criteria provided, single submitter. Criteria: LabCorp Variant Classification Summary - May 2015. Collection method: clinical testing. Allele origin: germline.
Comment: Variant summary: The variant involves the duplication of exons 14-19 in the RPGR gene. A presumed nomenclature of c.(1572+1_1573-1)_(*464_?)dup has been designated for the purposes of this classification. The exact breakpoint at the 3' end of this variant is unknown, therefore this duplication may extend downstream of the annotated region of the gene. As it duplicates the termination codon, its effect on the encoded protein is unknown. The variant was absent in 92457 control chromosomes in the gnomAD database (Structural Variants v4.1 dataset). The available data on variant occurrences in the general population are insufficient to allow any conclusion about variant significance. To our knowledge, no occurrence of c.(1572+1_1573-1)_(*464_?)dup in individuals affected with RPGR-related conditions and no experimental evidence demonstrating its impact on protein function have been reported. No submitters have cited clinical-significance assessments for this variant to ClinVar. Based on the evidence outlined above, the variant was classified as uncertain significance.